The following is an entry in ClinVar:

NM_000038.6(APC):c.7224T>G (p.Asn2408Lys)

Gene: APC (APC regulator of Wnt signaling pathway; plus strand). Cytogenetic location: 5q22.2.
Variant type: single nucleotide variant.
Coding change: c.7224T>G on transcript NM_000038.6 (MANE Select); coding-DNA position 7224, T replaced by G.
Protein change: p.Asn2408Lys; replaces asparagine 2408 with lysine.
Molecular consequence: missense variant.
Genome position (GRCh38, 1-based): chr5:112,842,818, T>G. VCF-style: chr5-112842818-T-G. GRCh37 (hg19) VCF-style: chr5-112178515-T-G.
Other names: c.7224T>G, p.Asn2408Lys (NM_001127510.3, NM_001354895.2); c.7170T>G, p.Asn2390Lys (NM_001127511.3); c.7278T>G, p.Asn2426Lys (NM_001354896.2); c.7254T>G, p.Asn2418Lys (NM_001354897.2); c.7149T>G, p.Asn2383Lys (NM_001354898.2); c.7140T>G, p.Asn2380Lys (NM_001354899.2); c.7101T>G, p.Asn2367Lys (NM_001354900.2); c.7047T>G, p.Asn2349Lys (NM_001354901.2); and 5 more; short protein forms N2125K, N2248K, N2282K, N2307K, N2317K, N2349K, N2367K, N2380K.
Identifiers: ClinVar variation 1171722 (VCV001171722.12), dbSNP rs150029348, ClinGen allele CA047275.
Genomic context (GRCh38, chr5:112,842,818, plus strand): 5'-CAGTAGTATTCCAAGAAGTGAGTCTGCCTCCAAAGGACTAAATCAGATGAATAATGGTAA[T>G]GGAGCCAATAAAAAGGTAGAACTTTCTAGAATGTCTTCAACTAAATCAAGTGGAAGTGAA-3'
Protein context (NP_000029.2, residues 2398-2418): SKGLNQMNNG[Asn2408Lys]GANKKVELSR

ClinVar aggregate classification (germline): Uncertain significance. Review status: criteria provided, multiple submitters, no conflicts (2 of 4 stars). 4 submissions from 4 submitters: Uncertain significance (4). Last evaluated 2026-07-07.

Conditions:
Hereditary cancer-predisposing syndrome. Also called: Neoplastic Syndromes, Hereditary; Tumor predisposition; Hereditary Cancer Syndrome; Hereditary neoplastic syndrome. Identifiers: Orphanet 140162, MedGen C0027672, MeSH D009386, MONDO:0015356.
Classic or attenuated familial adenomatous polyposis. Identifiers: MedGen CN372698, MONDO:0021057.
Familial adenomatous polyposis 1 (FAP1). Also called: POLYPOSIS, ADENOMATOUS INTESTINAL; FAMILIAL ADENOMATOUS POLYPOSIS 1, ATTENUATED. Identifiers: MedGen C2713442, MONDO:0021056, OMIM 175100. Disease mechanism: loss of function.

Submissions (4):

Ambry Genetics
Classification: Uncertain significance for Hereditary cancer-predisposing syndrome. Last evaluated: 2026-07-07. Review status: criteria provided, single submitter. Criteria: Ambry Variant Classification Scheme 2023. Collection method: clinical testing. Allele origin: germline.
Comment: The p.N2408K variant (also known as c.7224T>G), located in coding exon 15 of the APC gene, results from a T to G substitution at nucleotide position 7224. The asparagine at codon 2408 is replaced by lysine, an amino acid with similar properties. This amino acid position is conserved. In addition, in silico predictors for this gene do not accurately predict pathogenicity. Based on the available evidence, the clinical significance of this variant remains unclear.

Labcorp Genetics (formerly Invitae), Labcorp
Classification: Uncertain significance for Familial adenomatous polyposis 1. Last evaluated: 2026-01-24. Review status: criteria provided, single submitter. Criteria: Invitae Variant Classification Sherloc (09022015). Collection method: clinical testing. Allele origin: germline.
Comment: This sequence change replaces asparagine, which is neutral and polar, with lysine, which is basic and polar, at codon 2408 of the APC protein (p.Asn2408Lys). This variant is not present in population databases (gnomAD no frequency). This variant has not been reported in the literature in individuals affected with APC-related conditions. ClinVar contains an entry for this variant (Variation ID: 1171722). Invitae Evidence Modeling of protein sequence and biophysical properties (such as structural, functional, and spatial information, amino acid conservation, physicochemical variation, residue mobility, and thermodynamic stability) indicates that this missense variant is not expected to disrupt APC protein function with a negative predictive value of 95%. In summary, the available evidence is currently insufficient to determine the role of this variant in disease. Therefore, it has been classified as a Variant of Uncertain Significance.

Color Diagnostics, LLC DBA Color Health
Classification: Uncertain significance for Hereditary cancer-predisposing syndrome. Last evaluated: 2024-03-06. Review status: criteria provided, single submitter. Criteria: ACMG Guidelines, 2015. Collection method: clinical testing. Allele origin: germline.
Comment: This missense variant replaces asparagine with lysine at codon 2408 of the APC protein. Computational prediction suggests that this variant may not impact protein structure and function (internally defined REVEL score threshold <= 0.5, PMID: 27666373). To our knowledge, functional studies have not been reported for this variant. This variant has not been reported in individuals affected with APC-related disorders in the literature. This variant has not been identified in the general population by the Genome Aggregation Database (gnomAD). The available evidence is insufficient to determine the role of this variant in disease conclusively. Therefore, this variant is classified as a Variant of Uncertain Significance.

All of Us Research Program, National Institutes of Health
Classification: Uncertain significance for Classic or attenuated familial adenomatous polyposis. Last evaluated: 2023-11-20. Review status: criteria provided, single submitter. Criteria: ACMG Guidelines, 2015. Collection method: clinical testing. Allele origin: germline. Inheritance: Autosomal dominant inheritance. Observed: 1 variant allele, 1 heterozygote.
Comment: This missense variant replaces asparagine with lysine at codon 2408 of the APC protein. Computational prediction suggests that this variant may not impact protein structure and function (internally defined REVEL score threshold <= 0.5, PMID: 27666373). To our knowledge, functional studies have not been reported for this variant. This variant has not been reported in individuals affected with APC-related disorders in the literature. This variant has not been identified in the general population by the Genome Aggregation Database (gnomAD). The available evidence is insufficient to determine the role of this variant in disease conclusively. Therefore, this variant is classified as a Variant of Uncertain Significance.

This study involves interpretation of variants in research participants for the purpose of population health screening. Participant phenotype was not available at the time of variant classification. Additional details can be found in publication PMID: 35346344, PMCID: PMC8962531